The following is an entry in ClinVar:

NC_000015.9:g.(?_48703187)_(48741110_?)del

Gene: FBN1 (fibrillin 1; minus strand). Cytogenetic location: 15q21.1.
Variant type: Deletion.
Identifiers: ClinVar variation 2422447 (VCV002422447.4).

ClinVar aggregate classification (germline): Pathogenic (1 of 4 stars; one submission).

Conditions:
Marfan syndrome (MFS). Also called: MARFAN SYNDROME, TYPE I; FBN1-Related Marfan Syndrome; Marfan syndrome type 1; Marfan's syndrome; Marfan syndrome, classic. Identifiers: Orphanet 284963, Orphanet 558, MedGen C0024796, MONDO:0007947, OMIM 154700.
Familial thoracic aortic aneurysm and aortic dissection (TAAD). Also called: Thoracic aortic aneurysms and dissections. Identifiers: Orphanet 91387, MedGen C4707243, MONDO:0019625.

Submission:

Labcorp Genetics (formerly Invitae), Labcorp
Classification: Pathogenic for Marfan syndrome; Familial thoracic aortic aneurysm and aortic dissection. Last evaluated: 2022-01-15. Review status: criteria provided, single submitter. Criteria: Invitae Variant Classification Sherloc (09022015). Collection method: clinical testing. Allele origin: germline.
Comment: For these reasons, this variant has been classified as Pathogenic. This variant affects a cysteine residue in the EGF-like, TGFBP or hybrid motif domains of FBN1. Cysteine residues are believed to be involved in intramolecular disulfide bridges and have been shown to be important for FBN1 protein structure (PMID: 16905551, 19349279). In addition, missense substitutions affecting cysteine residues within these domains are significantly overrepresented among patients with Marfan syndrome (PMID: 16571647, 17701892). This variant has not been reported in the literature in individuals affected with FBN1-related conditions. This variant is a gross deletion of the genomic region encompassing exon(s) 46-66 of the FBN1 gene, which includes the termination codon. This deletion extends beyond the assayed region for this gene and therefore may encompass additional genes. While this deletion is not anticipated to lead to nonsense mediated decay, it is expected to alter mRNA translation or result in a truncated protein product.

Literature cited by the submitters: PubMed 16905551; PubMed 19349279; PubMed 16571647; PubMed 17701892.